The following is an entry in ClinVar:

ClinVar aggregate classification (germline): Benign (0 of 4 stars; one submission).

Conditions:
GCC2-related disorder. Also called: GCC2-related condition.

Allele frequency attached by ClinVar (database versions not stated): gnomAD exomes 0.00050; ExAC 0.00149; gnomAD 0.00472; ESP Exome Variant Server 0.00531; TOPMed 0.00543; 1000 Genomes Project 0.00619; 1000 Genomes Project 30x 0.00640.
gnomAD v4.1: 1,505 of 1,608,782 alleles (0.094%); highest among the groups gnomAD compares: African/African-American, 1.7%; 13 homozygotes.

Submission:

PreventionGenetics, part of Exact Sciences
Classification: Benign for GCC2-related condition. Last evaluated: 2019-02-28. Review status: no assertion criteria provided. Collection method: clinical testing. Allele origin: germline.
Comment: This variant is classified as benign based on ACMG/AMP sequence variant interpretation guidelines (Richards et al. 2015 PMID: 25741868, with internal and published modifications).

NM_181453.4(GCC2):c.1911C>T (p.Tyr637=)

Gene: GCC2 (GRIP and coiled-coil domain containing 2; plus strand). Cytogenetic location: 2q12.3.
Variant type: single nucleotide variant.
Coding change: c.1911C>T on transcript NM_181453.4 (MANE Select); coding-DNA position 1911, C replaced by T.
Protein change: p.Tyr637=; no amino-acid change (tyrosine 637 retained).
Molecular consequence: synonymous variant.
Genome position (GRCh38, 1-based): chr2:108,471,240, C>T. VCF-style: chr2-108471240-C-T. GRCh37 (hg19) VCF-style: chr2-109087696-C-T.
Other names: c.1608C>T, p.Tyr536= (NM_001410194.1, NM_014635.3).
Identifiers: ClinVar variation 3033899 (VCV003033899.2), dbSNP rs61741717, ClinGen allele CA1820601.
Genomic context (GRCh38, chr2:108,471,240, plus strand): 5'-TGAAAGGGAAGAAAGATTGATTCTTGAACTTGGGAAGAAAGTAGAGCAAACAATCCAGTA[C>T]AACAGTGAACTAGAACAAAAGGTAAATGAATTAACAGGAGGACTAGAGGAGACTTTAAAA-3'
Protein context (NP_852118.2, residues 627-647): LGKKVEQTIQ[Tyr637=]NSELEQKVNE